The following is an entry in ClinVar:

ClinVar aggregate classification (germline): Likely benign (0 of 4 stars; one submission).

Conditions:
EDNRB-related disorder. Also called: EDNRB-related condition; EDNRB-related disorders.

Submission:

PreventionGenetics, part of Exact Sciences
Classification: Likely benign for EDNRB-related condition. Last evaluated: 2020-07-14. Review status: no assertion criteria provided. Collection method: clinical testing. Allele origin: germline.
Comment: This variant is classified as likely benign based on ACMG/AMP sequence variant interpretation guidelines (Richards et al. 2015 PMID: 25741868, with internal and published modifications).

NM_001201397.2(EDNRB):c.90A>G (p.Arg30=)

Genes: EDNRB (endothelin receptor type B; minus strand), LOC107882129 (EDNRB proximal promoter region; plus strand). Cytogenetic location: 13q22.3.
Variant type: single nucleotide variant.
Coding change: c.90A>G on transcript NM_001201397.2; coding-DNA position 90, A replaced by G.
Protein change: p.Arg30=; no amino-acid change (arginine 30 retained).
Molecular consequence: synonymous variant. On other transcripts: intron variant (1).
Genome position (GRCh38, 1-based): chr13:77,919,526, T>C on the plus strand (A>G on the coding strand, the complement: EDNRB is on the minus strand). VCF-style: chr13-77919526-T-C. GRCh37 (hg19) VCF-style: chr13-78493661-T-C.
Other names: c.-51-902A>G (NM_000115.5).
Identifiers: ClinVar variation 3036579 (VCV003036579.2), dbSNP rs2501617991, ClinGen allele CA484493066.